The following is an entry in ClinVar:

NM_198578.4(LRRK2):c.5542C>T (p.Leu1848Phe)

Gene: LRRK2 (leucine rich repeat kinase 2; plus strand). Cytogenetic location: 12q12.
Variant type: single nucleotide variant.
Coding change: c.5542C>T on transcript NM_198578.4 (MANE Select); coding-DNA position 5542, C replaced by T.
Protein change: p.Leu1848Phe; replaces leucine 1848 with phenylalanine.
Molecular consequence: missense variant.
Genome position (GRCh38, 1-based): chr12:40,323,192, C>T. VCF-style: chr12-40323192-C-T. GRCh37 (hg19) VCF-style: chr12-40716994-C-T.
Other names: short protein forms L1848F.
Identifiers: ClinVar variation 1748207 (VCV001748207.3), dbSNP rs2499888858, ClinGen allele CA384421017.
Genomic context (GRCh38, chr12:40,323,192, plus strand): 5'-ATTTAAAAAATGTTTTATTACTTCTCAGGAGATCTCTTAGTAAATCCAGATCAACCAAGG[C>T]TCACCATTCCAATATCTCAGATTGCCCCTGACTTGATTTTGGCTGACCTGCCTAGAAATA-3'
Protein context (NP_940980.4, residues 1838-1858): DLLVNPDQPR[Leu1848Phe]TIPISQIAPD

ClinVar aggregate classification (germline): Uncertain significance (1 of 4 stars; one submission).

Conditions:
Inborn genetic diseases. Identifiers: MedGen C0950123, MeSH D030342.

Allele frequency attached by ClinVar (database versions not stated): gnomAD exomes below 0.00001.
gnomAD v4.1: 2 of 1,613,188 alleles (0.00012%); highest among the groups gnomAD compares: Non-Finnish European, 0.000085%; no homozygotes.

Submission:

Ambry Genetics
Classification: Uncertain significance for Inborn genetic diseases. Last evaluated: 2024-11-09. Review status: criteria provided, single submitter. Criteria: Ambry Variant Classification Scheme 2023. Collection method: clinical testing. Allele origin: germline.
Comment: The p.L1848F variant (also known as c.5542C>T), located in coding exon 38 of the LRRK2 gene, results from a C to T substitution at nucleotide position 5542. The leucine at codon 1848 is replaced by phenylalanine, an amino acid with highly similar properties. This amino acid position is conserved. In addition, this alteration is predicted to be tolerated by in silico analysis. Since supporting evidence is limited at this time, the clinical significance of this alteration remains unclear.